The following is an entry in ClinVar:

NM_013262.4(MYLIP):c.1060T>C (p.Ser354Pro)

Gene: MYLIP (myosin regulatory light chain interacting protein; plus strand). Cytogenetic location: 6p22.3.
Variant type: single nucleotide variant.
Coding change: c.1060T>C on transcript NM_013262.4 (MANE Select); coding-DNA position 1060, T replaced by C.
Protein change: p.Ser354Pro; replaces serine 354 with proline.
Molecular consequence: missense variant.
Genome position (GRCh38, 1-based): chr6:16,145,129, T>C. VCF-style: chr6-16145129-T-C. GRCh37 (hg19) VCF-style: chr6-16145360-T-C.
Other names: short protein forms S354P.
Identifiers: ClinVar variation 1346372 (VCV001346372.6), dbSNP rs2113566382, ClinGen allele CA362798636.

ClinVar aggregate classification (germline): Uncertain significance (1 of 4 stars; one submission).

Submission:

Labcorp Genetics (formerly Invitae), Labcorp
Classification: Uncertain significance. Last evaluated: 2021-10-22. Review status: criteria provided, single submitter. Criteria: Invitae Variant Classification Sherloc (09022015). Collection method: clinical testing. Allele origin: germline.
Comment: Algorithms developed to predict the effect of missense changes on protein structure and function output the following: SIFT: "Tolerated"; PolyPhen-2: "Benign"; Align-GVGD: "Class C0". The proline amino acid residue is found in multiple mammalian species, which suggests that this missense change does not adversely affect protein function. This variant has not been reported in the literature in individuals affected with MYLIP-related conditions. This variant is not present in population databases (ExAC no frequency). This sequence change replaces serine with proline at codon 354 of the MYLIP protein (p.Ser354Pro). The serine residue is highly conserved and there is a moderate physicochemical difference between serine and proline. In summary, the available evidence is currently insufficient to determine the role of this variant in disease. Therefore, it has been classified as a Variant of Uncertain Significance.